The following is an entry in ClinVar:

ClinVar aggregate classification (germline): Uncertain significance (1 of 4 stars; one submission).

Submission:

GeneDx
Classification: Uncertain significance. Last evaluated: 2026-04-17. Review status: criteria provided, single submitter. Criteria: GeneDx Variant Classification Process June 2021. Collection method: clinical testing. Allele origin: germline.
Comment: Not observed at significant frequency in large population cohorts (gnomAD); In silico analysis supports that this missense variant has a deleterious effect on protein structure/function; Has not been previously published as pathogenic or benign to our knowledge

NM_020822.3(KCNT1):c.1470G>C (p.Gln490His)

Gene: KCNT1 (potassium sodium-activated channel subfamily T member 1; plus strand). Cytogenetic location: 9q34.3.
Variant type: single nucleotide variant.
Coding change: c.1470G>C on transcript NM_020822.3 (MANE Select); coding-DNA position 1470, G replaced by C.
Protein change: p.Gln490His; replaces glutamine 490 with histidine.
Molecular consequence: missense variant.
Genome position (GRCh38, 1-based): chr9:135,768,897, G>C. VCF-style: chr9-135768897-G-C. GRCh37 (hg19) VCF-style: chr9-138660743-G-C.
Other names: c.1335G>C, p.Gln445His (NM_001272003.2); short protein forms Q445H, Q490H.
Identifiers: ClinVar variation 5037126 (VCV005037126.1).